The following is an entry in ClinVar:

ClinVar aggregate classification (germline): Uncertain significance (1 of 4 stars; one submission).

Conditions:
Familial meningioma. Also called: Meningioma, familial, susceptibility to. Identifiers: Orphanet 263662, MedGen C3551915, MONDO:0011789, OMIM 607174.

Submission:

Labcorp Genetics (formerly Invitae), Labcorp
Classification: Uncertain significance for Familial meningioma. Last evaluated: 2022-10-19. Review status: criteria provided, single submitter. Criteria: Invitae Variant Classification Sherloc (09022015). Collection method: clinical testing. Allele origin: germline.
Comment: This variant is not present in population databases (gnomAD no frequency). In summary, the available evidence is currently insufficient to determine the role of this variant in disease. Therefore, it has been classified as a Variant of Uncertain Significance. This variant has not been reported in the literature in individuals affected with SMARCE1-related conditions. This variant, c.1068_1076dup, results in the insertion of 3 amino acid(s) of the SMARCE1 protein (p.Glu358_Glu359insAspGlyGlu), but otherwise preserves the integrity of the reading frame.

NM_003079.5(SMARCE1):c.1068_1076dup (p.Glu358_Glu359insAspGlyGlu)

Gene: SMARCE1 (SWI/SNF related BAF chromatin remodeling complex subunit E1; minus strand). Cytogenetic location: 17q21.2.
Variant type: Duplication.
Coding change: c.1068_1076dup on transcript NM_003079.5 (MANE Select); coding-DNA positions 1068 to 1076, 9 bases duplicated (TGGTGAAGA; older notation c.1068_1076dupTGGTGAAGA).
Protein change: p.Glu358_Glu359insAspGlyGlu.
Molecular consequence: inframe insertion.
Genome position (GRCh38, 1-based): chr17:40,628,945-40,628,953, TCTTCACCA duplicated on the plus strand (TGGTGAAGA on the coding strand, the reverse complement: SMARCE1 is on the minus strand); duplicating any 9 consecutive bases within chr17:40,628,945-40,628,954 gives the same sequence; the c. name uses the placement nearest the transcript's 3' end. VCF-style (leftmost placement, unchanged base first): chr17-40628944-T-TTCTTCACCA. GRCh37 (hg19) VCF-style: chr17-38785196-T-TTCTTCACCA.
Identifiers: ClinVar variation 2057439 (VCV002057439.4), dbSNP rs2037062787, ClinGen allele CA2580093676.